The following is an entry in ClinVar:

ClinVar aggregate classification (germline): Conflicting classifications of pathogenicity. Review status: criteria provided, conflicting classifications (1 of 4 stars). 2 submissions from 2 submitters: Uncertain significance (1); Likely benign (1). Last evaluated 2023-01-01.

Allele frequency attached by ClinVar (database versions not stated): gnomAD exomes 0.00004 and 0.00009; ExAC 0.00005; TOPMed 0.00007; ESP Exome Variant Server 0.00009; gnomAD 0.00010 and 0.00011.
gnomAD v4.1: 111 of 1,208,341 alleles (0.0092%); highest among the groups gnomAD compares: Non-Finnish European, 0.012%; no homozygotes.

Submissions (2):

CeGaT Center for Human Genetics Tuebingen
Classification: Likely benign. Last evaluated: 2023-01-01. Review status: criteria provided, single submitter. Criteria: CeGaT Center For Human Genetics Tuebingen Variant Classification Criteria Version 2. Collection method: clinical testing. Allele origin: germline. Affected: yes. Observed: 1 variant allele.
Comment: ZNF81: BS2

Genetic Services Laboratory, University of Chicago
Classification: Uncertain significance. Last evaluated: 2013-08-12. Review status: criteria provided, single submitter. Criteria: ACMG Guidelines, 2007. Collection method: clinical testing. Allele origin: germline. Inheritance: X-linked inheritance.

NM_007137.5(ZNF81):c.1264G>A (p.Ala422Thr)

Gene: ZNF81 (zinc finger protein 81; plus strand). Cytogenetic location: Xp11.23.
Variant type: single nucleotide variant.
Coding change: c.1264G>A on transcript NM_007137.5 (MANE Select); coding-DNA position 1264, G replaced by A.
Protein change: p.Ala422Thr; replaces alanine 422 with threonine.
Molecular consequence: missense variant. On other transcripts: intron variant (2).
Genome position (GRCh38, 1-based): chrX:47,915,910, G>A. VCF-style: chrX-47915910-G-A. GRCh37 (hg19) VCF-style: chrX-47775309-G-A.
Other names: c.1264G>A, p.Ala422Thr (NM_001378152.1, NM_001378153.1); c.278-8014G>A (NM_001378154.1); c.278-5398G>A (NM_001378155.1); short protein forms A422T.
Identifiers: ClinVar variation 130852 (VCV000130852.30), dbSNP rs200890712, ClinGen allele CA231688.